The following is an entry in ClinVar:

ClinVar aggregate classification (germline): Uncertain significance. Review status: criteria provided, multiple submitters, no conflicts (2 of 4 stars). 3 submissions from 3 submitters: Uncertain significance (3). Last evaluated 2026-03-17.

Conditions:
Kabuki syndrome 1 (KABUK1). Also called: KMT2D-Related Kabuki Syndrome. Identifiers: Orphanet 2322, MedGen CN030661, MONDO:0007843, OMIM 147920.
Choanal atresia-athelia-hypothyroidism-delayed puberty-short stature syndrome (BCAHH). Also called: BRANCHIAL ARCH ABNORMALITIES, CHOANAL ATRESIA, ATHELIA, HEARING LOSS, AND HYPOTHYROIDISM SYNDROME. Identifiers: Orphanet 589856, MedGen C5680310, MONDO:0035651, OMIM 620186.
Inborn genetic diseases. Identifiers: MedGen C0950123, MeSH D030342.
Kabuki syndrome. Also called: NIIKAWA-KUROKI SYNDROME; Kabuki make-up syndrome. Identifiers: Orphanet 2322, MedGen C0796004, MONDO:0016512.

Allele frequency attached by ClinVar (database versions not stated): gnomAD exomes 0.00001.
gnomAD v4.1: 10 of 1,589,560 alleles (0.00063%); highest among the groups gnomAD compares: Admixed American, 0.0036%; no homozygotes.

Submissions (3):

Ambry Genetics
Classification: Uncertain significance for Inborn genetic diseases. Last evaluated: 2026-03-17. Review status: criteria provided, single submitter. Criteria: Ambry Variant Classification Scheme 2023. Collection method: clinical testing. Allele origin: germline.
Comment: The c.11399G>A (p.G3800D) alteration is located in exon 39 (coding exon 39) of the KMT2D gene. This alteration results from a G to A substitution at nucleotide position 11399, causing the glycine (G) at amino acid position 3800 to be replaced by an aspartic acid (D). Based on data from gnomAD, the A allele has an overall frequency of <0.001% (0/206128) total alleles studied. The highest observed frequency was <0.001% (/) of alleles. Based on insufficient or conflicting evidence, the clinical significance of this alteration remains unclear.

Labcorp Genetics (formerly Invitae), Labcorp
Classification: Uncertain significance for Kabuki syndrome. Last evaluated: 2025-11-20. Review status: criteria provided, single submitter. Criteria: Invitae Variant Classification Sherloc (09022015). Collection method: clinical testing. Allele origin: germline.
Comment: This sequence change replaces glycine, which is neutral and non-polar, with aspartic acid, which is acidic and polar, at codon 3800 of the KMT2D protein (p.Gly3800Asp). This variant is not present in population databases (gnomAD no frequency). This variant has not been reported in the literature in individuals affected with KMT2D-related conditions. ClinVar contains an entry for this variant (Variation ID: 1391152). Invitae Evidence Modeling of protein sequence and biophysical properties (such as structural, functional, and spatial information, amino acid conservation, physicochemical variation, residue mobility, and thermodynamic stability) indicates that this missense variant is not expected to disrupt KMT2D protein function with a negative predictive value of 95%. In summary, the available evidence is currently insufficient to determine the role of this variant in disease. Therefore, it has been classified as a Variant of Uncertain Significance.

Fulgent Genetics
Classification: Uncertain significance for Kabuki syndrome 1; Choanal atresia-athelia-hypothyroidism-delayed puberty-short stature syndrome. Last evaluated: 2024-02-26. Review status: criteria provided, single submitter. Criteria: ACMG Guidelines, 2015. Collection method: clinical testing. Allele origin: germline.

NM_003482.4(KMT2D):c.11399G>A (p.Gly3800Asp)

Gene: KMT2D (lysine methyltransferase 2D; minus strand). Cytogenetic location: 12q13.12.
Variant type: single nucleotide variant.
Coding change: c.11399G>A on transcript NM_003482.4 (MANE Select); coding-DNA position 11399, G replaced by A.
Protein change: p.Gly3800Asp; replaces glycine 3800 with aspartic acid.
Molecular consequence: missense variant.
Genome position (GRCh38, 1-based): chr12:49,033,306, C>T on the plus strand (G>A on the coding strand, the complement: KMT2D is on the minus strand). VCF-style: chr12-49033306-C-T. GRCh37 (hg19) VCF-style: chr12-49427089-C-T.
Other names: c.11399G>A (NM_003482.3); short protein forms G3800D.
Identifiers: ClinVar variation 1391152 (VCV001391152.8), dbSNP rs1290647008, ClinGen allele CA384719095.